The following is an entry in ClinVar:

ClinVar aggregate classification (germline): Conflicting classifications of pathogenicity. Review status: criteria provided, conflicting classifications (1 of 4 stars). 6 submissions from 6 submitters: Likely pathogenic (3); Uncertain significance (3). Last evaluated 2026-07-01.

Conditions:
Glycogen storage disease, type II (IOPD). Also called: CARDIOMEGALIA GLYCOGENICA DIFFUSA; GLYCOGENOSIS, GENERALIZED, CARDIAC FORM; GSD II; Pompe Disease; Glucosidase acid-1,4-alpha deficiency; POMPE DISEASE, INFANTILE-ONSET. Identifiers: Orphanet 365, MedGen C0017921, MONDO:0009290, OMIM 232300.

Allele frequency attached by ClinVar (database versions not stated): TOPMed below 0.00001; gnomAD 0.00001; gnomAD exomes 0.00001 and 0.00002; ESP Exome Variant Server 0.00008; 1000 Genomes Project 30x 0.00016.
gnomAD v4.1: 18 of 1,349,168 alleles (0.0013%); highest among the groups gnomAD compares: African/African-American, 0.0033%; no homozygotes.

Submissions (6):

Genomenon, Inc
Classification: Uncertain significance for Glycogen storage disease, type II. Last evaluated: 2026-07-01. Review status: criteria provided, single submitter. Criteria: Genomenon Sequence Variant Interpretation Standards - Updated. Collection method: curation. Allele origin: germline. Affected: no.
Comment: GAA c.858G>A is a synonymous variant that retains Threonine at codon 286. This variant has been reported in the compound heterozygous and/or homozygous state in at least one individual without a confirmed diagnosis of Pompe disease (PMID:35123877;37670900). It is absent or not present at a significant frequency in gnomAD. In silico models predict that this variant is possibly or probably damaging. In conclusion, we classify GAA c.858G>A (p.Thr286=) as a variant of uncertain significance.

Labcorp Genetics (formerly Invitae), Labcorp
Classification: Likely pathogenic for Glycogen storage disease, type II. Last evaluated: 2026-01-15. Review status: criteria provided, single submitter. Criteria: Invitae Variant Classification Sherloc (09022015). Collection method: clinical testing. Allele origin: germline.
Comment: This sequence change affects codon 286 of the GAA mRNA. It is a 'silent' change, meaning that it does not change the encoded amino acid sequence of the GAA protein. This variant also falls at the last nucleotide of exon 4, which is part of the consensus splice site for this exon. This variant is present in population databases (rs201056962, gnomAD 0.003%). This variant has been observed in individual(s) with late-onset Pompe disease (PMID: 35123877). In at least one individual the data is consistent with being in trans (on the opposite chromosome) from a pathogenic variant. ClinVar contains an entry for this variant (Variation ID: 572952). Variants that disrupt the consensus splice site are a relatively common cause of aberrant splicing (PMID: 17576681, 9536098). Algorithms developed to predict the effect of sequence changes on RNA splicing suggest that this variant may disrupt the consensus splice site. In summary, the currently available evidence indicates that the variant is pathogenic, but additional data are needed to prove that conclusively. Therefore, this variant has been classified as Likely Pathogenic.

Dasa
Classification: Uncertain significance. Last evaluated: 2025-10-03. Review status: criteria provided, single submitter. Criteria: DASA Assertion Criteria. Collection method: clinical testing. Allele origin: germline.
Comment: NM_000152.5(GAA):c.858G>A (p.Thr286=) is a synonymous variant predicted not to alter the encoded amino acid sequence. This variant has been reported in individuals with GAA-related disorders (PMID: 35123877). Also, this variant is rare in population databases. Computational prediction algorithms are consistent with a deleterious effect. The currently available literature and clinical evidence are not sufficient to establish a definitive association between this variant and the reported condition. Therefore, this variant is classified as a variant of uncertain significance.

Natera, Inc.
Classification: Likely pathogenic for Glycogen storage disease type II. Last evaluated: 2025-05-15. Review status: criteria provided, single submitter. Criteria: Natera Variant Classification Schema (03/2026). Collection method: clinical testing. Allele origin: germline.
Comment: The c.858G>A variant in GAA is a synonymous variant that does not alter the encoded amino acid at position 286 (p.T286=). This variant is rare in the general population with a frequency below the threshold expected for the associated phenotype(s). This variant has been observed in one or more individuals affected with the associated recessive disease, as either homozygous or compound heterozygous with a second variant (PMID: 35123877). This variant has been identified in one or more affected individual with a phenotype highly consistent with the associated gene (PMID: 35123877). Computational prediction algorithms indicate this variant is likely to affect gene or protein function. Given the available evidence, this variant is classified as Likely Pathogenic.

Blueprint Genetics
Classification: Uncertain significance. Last evaluated: 2024-11-21. Review status: criteria provided, single submitter. Criteria: ACMG Guidelines, 2015. Collection method: clinical testing. Allele origin: germline.

Fulgent Genetics
Classification: Likely pathogenic for Glycogen storage disease, type II. Last evaluated: 2024-04-19. Review status: criteria provided, single submitter. Criteria: ACMG Guidelines, 2015. Collection method: clinical testing. Allele origin: germline.

Literature cited by the submitters: PubMed 35123877 (cited by 4 submitters); PubMed 37670900 (cited by Genomenon, Inc); PubMed 17576681 (cited by Labcorp Genetics (formerly Invitae), Labcorp); PubMed 9536098 (cited by Labcorp Genetics (formerly Invitae), Labcorp).

NM_000152.5(GAA):c.858G>A (p.Thr286=)

Gene: GAA (alpha glucosidase; plus strand). Cytogenetic location: 17q25.3.
Variant type: single nucleotide variant.
Coding change: c.858G>A on transcript NM_000152.5 (MANE Select); coding-DNA position 858, G replaced by A.
Protein change: p.Thr286=; no amino-acid change (threonine 286 retained).
Molecular consequence: synonymous variant.
Genome position (GRCh38, 1-based): chr17:80,107,722, G>A. VCF-style: chr17-80107722-G-A. GRCh37 (hg19) VCF-style: chr17-78081521-G-A.
Other names: c.858G>A (NM_000152.4, LRG_673t1); c.858G>A, p.Thr286= (NM_001079803.3, NM_001079804.3).
Identifiers: ClinVar variation 572952 (VCV000572952.20), dbSNP rs201056962, ClinGen allele CA294889742.